The following is an entry in ClinVar:

ClinVar aggregate classification (germline): Uncertain significance (1 of 4 stars; one submission).

Conditions:
Fanconi anemia (FA). Also called: Fanconi's anemia. Identifiers: Orphanet 84, MedGen C0015625, MeSH D005199, MONDO:0019391.

gnomAD v4.1: 8 of 1,551,012 alleles (0.00052%); highest among the groups gnomAD compares: Non-Finnish European, 0.00061%; no homozygotes.

Submission:

Labcorp Genetics (formerly Invitae), Labcorp
Classification: Uncertain significance for Fanconi anemia. Last evaluated: 2025-09-11. Review status: criteria provided, single submitter. Criteria: Invitae Variant Classification Sherloc (09022015). Collection method: clinical testing. Allele origin: germline.
Comment: This sequence change falls in intron 39 of the FANCA gene. It does not directly change the encoded amino acid sequence of the FANCA protein. It affects a nucleotide within the consensus splice site. This variant is not present in population databases (gnomAD no frequency). This variant has not been reported in the literature in individuals affected with FANCA-related conditions. Variants that disrupt the consensus splice site are a relatively common cause of aberrant splicing (PMID: 17576681, 9536098). Algorithms developed to predict the effect of sequence changes on RNA splicing suggest that this variant may disrupt the consensus splice site. In summary, the available evidence is currently insufficient to determine the role of this variant in disease. Therefore, it has been classified as a Variant of Uncertain Significance.

Literature cited by the submitters: PubMed 17576681; PubMed 9536098.

NM_000135.4(FANCA):c.3935-3C>T

Genes: FANCA (FA complementation group A; minus strand), ZNF276 (zinc finger protein 276; plus strand). Cytogenetic location: 16q24.3.
Variant type: single nucleotide variant.
Coding change: c.3935-3C>T on transcript NM_000135.4 (MANE Select); 3 bases into the intron before coding-DNA position 3935, C replaced by T.
Molecular consequence: intron variant. On other transcripts: 3 prime UTR variant (2), non-coding transcript variant (4).
Genome position (GRCh38, 1-based): chr16:89,739,556, G>A on the plus strand (C>T on the coding strand, the complement: FANCA is on the minus strand). VCF-style: chr16-89739556-G-A. GRCh37 (hg19) VCF-style: chr16-89805964-G-A.
Other names: c.*1310G>A (NM_001113525.2, NM_152287.4); c.3935-3C>T (NM_001286167.3).
Identifiers: ClinVar variation 4714759 (VCV004714759.1).